The following is an entry in ClinVar:

NM_001080442.3(SLC38A8):c.780C>T (p.Ala260=)

Gene: SLC38A8 (solute carrier family 38 member 8; minus strand). Cytogenetic location: 16q23.3.
Variant type: single nucleotide variant.
Coding change: c.780C>T on transcript NM_001080442.3 (MANE Select); coding-DNA position 780, C replaced by T.
Protein change: p.Ala260=; no amino-acid change (alanine 260 retained).
Molecular consequence: synonymous variant.
Genome position (GRCh38, 1-based): chr16:84,022,800, G>A on the plus strand (C>T on the coding strand, the complement: SLC38A8 is on the minus strand). VCF-style: chr16-84022800-G-A. GRCh37 (hg19) VCF-style: chr16-84056405-G-A.
Other names: c.780C>T (NM_001080442.2).
Identifiers: ClinVar variation 1284543 (VCV001284543.12), dbSNP rs150110519, ClinGen allele CA8200008.

ClinVar aggregate classification (germline): Likely benign. Review status: criteria provided, multiple submitters, no conflicts (2 of 4 stars). 4 submissions from 4 submitters: Likely benign (2). 2 of the submissions do not count toward it. Last evaluated 2026-09-06.

Conditions:
SLC38A8-related disorder. Also called: SLC38A8-related condition.

Allele frequency attached by ClinVar (database versions not stated): gnomAD exomes 0.00029; ExAC 0.00034; gnomAD 0.00036 and 0.00038; ESP Exome Variant Server 0.00077.
gnomAD v4.1: 1,041 of 1,614,022 alleles (0.064%); highest among the groups gnomAD compares: Non-Finnish European, 0.086%; 1 homozygote.

Submissions (4):

PreventionGenetics, part of Exact Sciences
Classification: Likely benign for SLC38A8-related condition. Last evaluated: 2026-09-06. Review status: criteria provided, single submitter. Criteria: ACMG Guidelines, 2015. Collection method: clinical testing. Allele origin: germline.
Comment: This variant is classified as likely benign based on ACMG/AMP sequence variant interpretation guidelines (Richards et al. 2015 PMID: 25741868, with internal and published modifications).

Labcorp Genetics (formerly Invitae), Labcorp
Classification: Likely benign. Last evaluated: 2026-01-19. Review status: criteria provided, single submitter. Criteria: Invitae Variant Classification Sherloc (09022015). Collection method: clinical testing. Allele origin: germline.

Clinical Genetics DNA and cytogenetics Diagnostics Lab, Erasmus MC, Erasmus Medical Center
Classification: Likely benign. Review status: no assertion criteria provided. Collection method: clinical testing. Allele origin: germline. Affected: yes. Study: VKGL Data-share Consensus. Not counted in ClinVar's aggregate classification.

Clinical Genetics, Academic Medical Center
Classification: Benign. Review status: no assertion criteria provided. Collection method: clinical testing. Allele origin: germline. Affected: yes. Study: VKGL Data-share Consensus. Not counted in ClinVar's aggregate classification.